The following is an entry in ClinVar:

ClinVar aggregate classification (germline): Uncertain significance (1 of 4 stars; one submission).

Allele frequency attached by ClinVar (database versions not stated): TOPMed below 0.00001.

Submission:

Labcorp Genetics (formerly Invitae), Labcorp
Classification: Uncertain significance. Last evaluated: 2022-11-08. Review status: criteria provided, single submitter. Criteria: Invitae Variant Classification Sherloc (09022015). Collection method: clinical testing. Allele origin: germline.
Comment: In summary, the available evidence is currently insufficient to determine the role of this variant in disease. Therefore, it has been classified as a Variant of Uncertain Significance. Advanced modeling of protein sequence and biophysical properties (such as structural, functional, and spatial information, amino acid conservation, physicochemical variation, residue mobility, and thermodynamic stability) performed at Invitae indicates that this missense variant is not expected to disrupt VARS2 protein function. This variant has not been reported in the literature in individuals affected with VARS2-related conditions. This variant is not present in population databases (gnomAD no frequency). This sequence change replaces glycine, which is neutral and non-polar, with valine, which is neutral and non-polar, at codon 970 of the VARS2 protein (p.Gly970Val).

NM_020442.6(VARS2):c.2819G>T (p.Gly940Val)

Gene: VARS2 (valyl-tRNA synthetase 2, mitochondrial; plus strand). Cytogenetic location: 6p21.33.
Variant type: single nucleotide variant.
Coding change: c.2819G>T on transcript NM_020442.6 (MANE Select); coding-DNA position 2819, G replaced by T.
Protein change: p.Gly940Val; replaces glycine 940 with valine.
Molecular consequence: missense variant.
Genome position (GRCh38, 1-based): chr6:30,925,577, G>T. VCF-style: chr6-30925577-G-T. GRCh37 (hg19) VCF-style: chr6-30893354-G-T.
Other names: c.2399G>T, p.Gly800Val (NM_001167733.3); c.2909G>T, p.Gly970Val (NM_001167734.2); short protein forms G940V, G800V, G970V.
Identifiers: ClinVar variation 1951409 (VCV001951409.5), dbSNP rs1197503021, ClinGen allele CA363177642.